The following is an entry in ClinVar:

ClinVar aggregate classification (germline): Likely pathogenic (1 of 4 stars; one submission).

Conditions:
MAFB-related disorder. Also called: MAFB-related condition.

Submission:

PreventionGenetics, part of Exact Sciences
Classification: Likely pathogenic for MAFB-related condition. Last evaluated: 2024-11-21. Review status: criteria provided, single submitter. Criteria: ACMG Guidelines, 2015. Collection method: clinical testing. Allele origin: germline.
Comment: The MAFB c.218dupT variant is predicted to result in a frameshift and premature protein termination (p.Ser74Glnfs*105). To our knowledge, this variant has not been reported in the literature or in a large population database (gnomAD), indicating this variant is rare. Frameshift variants in MAFB are expected to be pathogenic. This variant is interpreted as likely pathogenic.

NM_005461.5(MAFB):c.218dup (p.Ser74fs)

Gene: MAFB (MAF bZIP transcription factor B; minus strand). Cytogenetic location: 20q12.
Variant type: Duplication.
Coding change: c.218dup on transcript NM_005461.5 (MANE Select); coding-DNA position 218, one base duplicated (T; older notation c.218dupT).
Protein change: p.Ser74fs; shifts the reading frame from serine 74.
Molecular consequence: frameshift variant.
Genome position (GRCh38, 1-based): chr20:40,688,633, A duplicated on the plus strand (T on the coding strand, the reverse complement: MAFB is on the minus strand); the first of 2 consecutive A bases (chr20:40,688,633-40,688,634); duplicating either gives the same sequence. VCF-style (leftmost placement, unchanged base first): chr20-40688632-G-GA. GRCh37 (hg19) VCF-style: chr20-39317272-G-GA.
Other names: short protein forms S74fs.
Identifiers: ClinVar variation 4997825 (VCV004997825.1).